The following is an entry in ClinVar:

NM_000260.4(MYO7A):c.4468A>G (p.Ile1490Val)

Gene: MYO7A (myosin VIIA; plus strand). Cytogenetic location: 11q13.5.
Variant type: single nucleotide variant.
Coding change: c.4468A>G on transcript NM_000260.4 (MANE Select); coding-DNA position 4468, A replaced by G.
Protein change: p.Ile1490Val; replaces isoleucine 1490 with valine.
Molecular consequence: missense variant.
Genome position (GRCh38, 1-based): chr11:77,198,521, A>G. VCF-style: chr11-77198521-A-G. GRCh37 (hg19) VCF-style: chr11-76909566-A-G.
Other names: c.4468A>G, p.Ile1490Val (NM_001127180.2); c.4435A>G, p.Ile1479Val (NM_001369365.1); c.4468A>G (NM_000260.3); short protein forms I1479V, I1490V.
Identifiers: ClinVar variation 2993748 (VCV002993748.3), dbSNP rs1382486995, ClinGen allele CA381950256.

ClinVar aggregate classification (germline): Uncertain significance. Review status: criteria provided, multiple submitters, no conflicts (2 of 4 stars). 2 submissions from 2 submitters: Uncertain significance (2). Last evaluated 2025-04-29.

Allele frequency attached by ClinVar (database versions not stated): gnomAD 0.00001; TOPMed 0.00001.
gnomAD v4.1: 6 of 1,613,782 alleles (0.00037%); highest among the groups gnomAD compares: Admixed American, 0.0017%; no homozygotes.

Submissions (2):

GeneDx
Classification: Uncertain significance. Last evaluated: 2025-04-29. Review status: criteria provided, single submitter. Criteria: GeneDx Variant Classification Process June 2021. Collection method: clinical testing. Allele origin: germline. Affected: yes.
Comment: In silico analysis indicates that this missense variant does not alter protein structure/function; Has not been previously published as pathogenic or benign to our knowledge

Labcorp Genetics (formerly Invitae), Labcorp
Classification: Uncertain significance. Last evaluated: 2023-12-26. Review status: criteria provided, single submitter. Criteria: Invitae Variant Classification Sherloc (09022015). Collection method: clinical testing. Allele origin: germline.
Comment: This sequence change replaces isoleucine, which is neutral and non-polar, with valine, which is neutral and non-polar, at codon 1490 of the MYO7A protein (p.Ile1490Val). This variant is present in population databases (no rsID available, gnomAD 0.003%). This variant has not been reported in the literature in individuals affected with MYO7A-related conditions. Advanced modeling of protein sequence and biophysical properties (such as structural, functional, and spatial information, amino acid conservation, physicochemical variation, residue mobility, and thermodynamic stability) performed at Invitae indicates that this missense variant is not expected to disrupt MYO7A protein function with a negative predictive value of 95%. In summary, the available evidence is currently insufficient to determine the role of this variant in disease. Therefore, it has been classified as a Variant of Uncertain Significance.